The following is an entry in ClinVar:

ClinVar aggregate classification (germline): Uncertain significance. Review status: criteria provided, multiple submitters, no conflicts (2 of 4 stars). 6 submissions from 6 submitters: Uncertain significance (5). 1 of the submissions does not count toward it. Last evaluated 2025-05-27.

Conditions:
Inborn genetic diseases. Identifiers: MedGen C0950123, MeSH D030342.
Congenital lactic acidosis, Saguenay-Lac-Saint-Jean type (MC4DN5). Also called: CYTOCHROME c OXIDASE DEFICIENCY, FRENCH CANADIAN TYPE; COX DEFICIENCY, FRENCH CANADIAN TYPE; MITOCHONDRIAL COMPLEX IV DEFICIENCY, NUCLEAR TYPE 5. Identifiers: Orphanet 70472, MedGen C1857355, MONDO:0009069, OMIM 220111.

Allele frequency attached by ClinVar (database versions not stated): TOPMed 0.00008; gnomAD 0.00019.
gnomAD v4.1: 186 of 1,613,084 alleles (0.012%); highest among the groups gnomAD compares: Middle Eastern, 0.016%; no homozygotes.

Submissions (6):

GeneDx
Classification: Uncertain significance. Last evaluated: 2025-05-27. Review status: criteria provided, single submitter. Criteria: GeneDx Variant Classification Process June 2021. Collection method: clinical testing. Allele origin: germline. Affected: yes.
Comment: Has not been previously published as pathogenic or benign to our knowledge; Not observed at significant frequency in large population cohorts (gnomAD); In silico analysis supports that this missense variant has a deleterious effect on protein structure/function

Ambry Genetics
Classification: Uncertain significance for Inborn genetic diseases. Last evaluated: 2025-04-15. Review status: criteria provided, single submitter. Criteria: Ambry Variant Classification Scheme 2023. Collection method: clinical testing. Allele origin: germline.

Labcorp Genetics (formerly Invitae), Labcorp
Classification: Uncertain significance. Last evaluated: 2024-10-22. Review status: criteria provided, single submitter. Criteria: Invitae Variant Classification Sherloc (09022015). Collection method: clinical testing. Allele origin: germline.
Comment: This sequence change replaces arginine, which is basic and polar, with histidine, which is basic and polar, at codon 303 of the LRPPRC protein (p.Arg303His). This variant is present in population databases (rs745653250, gnomAD 0.01%). This variant has not been reported in the literature in individuals affected with LRPPRC-related conditions. ClinVar contains an entry for this variant (Variation ID: 214602). Invitae Evidence Modeling of protein sequence and biophysical properties (such as structural, functional, and spatial information, amino acid conservation, physicochemical variation, residue mobility, and thermodynamic stability) indicates that this missense variant is expected to disrupt LRPPRC protein function with a positive predictive value of 80%. In summary, the available evidence is currently insufficient to determine the role of this variant in disease. Therefore, it has been classified as a Variant of Uncertain Significance.

Fulgent Genetics
Classification: Uncertain significance for Congenital lactic acidosis, Saguenay-Lac-Saint-Jean type. Last evaluated: 2021-07-27. Review status: criteria provided, single submitter. Criteria: ACMG Guidelines, 2015. Collection method: clinical testing. Allele origin: unknown.

Baylor Genetics
Classification: Uncertain significance for Congenital lactic acidosis, Saguenay-Lac-Saint-Jean type. Last evaluated: 2018-10-28. Review status: criteria provided, single submitter. Criteria: ACMG Guidelines, 2015. Collection method: clinical testing. Allele origin: maternal. Affected: yes.
Comment: This variant was determined to be of uncertain significance according to ACMG Guidelines, 2015 [PMID:25741868].

Natera, Inc.
Classification: Uncertain significance for French-Canadian type Leigh syndrome. Last evaluated: 2019-10-28. Review status: no assertion criteria provided. Collection method: clinical testing. Allele origin: germline. Not counted in ClinVar's aggregate classification.

NM_133259.4(LRPPRC):c.908G>A (p.Arg303His)

Gene: LRPPRC (leucine rich pentatricopeptide repeat containing; minus strand). Cytogenetic location: 2p21.
Variant type: single nucleotide variant.
Coding change: c.908G>A on transcript NM_133259.4 (MANE Select); coding-DNA position 908, G replaced by A.
Protein change: p.Arg303His; replaces arginine 303 with histidine.
Molecular consequence: missense variant.
Genome position (GRCh38, 1-based): chr2:43,974,715, C>T on the plus strand (G>A on the coding strand, the complement: LRPPRC is on the minus strand). VCF-style: chr2-43974715-C-T. GRCh37 (hg19) VCF-style: chr2-44201854-C-T.
Other names: p.R303H:CGT>CAT; short protein forms R303H.
Identifiers: ClinVar variation 214602 (VCV000214602.8), dbSNP rs745653250, ClinGen allele CA323787.